The following is an entry in ClinVar:

ClinVar aggregate classification (germline): other (0 of 4 stars; one submission).

Conditions:
Familial colorectal cancer. Identifiers: MedGen CN280943, MONDO:0023113. Disease mechanism: loss of function.

Allele frequency attached by ClinVar (database versions not stated): gnomAD 0.00003 and 0.00004; TOPMed 0.00003.
gnomAD v4.1: 5 of 152,092 alleles (0.0033%); highest among the groups gnomAD compares: Non-Finnish European, 0.0074%; no homozygotes.

Submission:

Systems Biology Platform Zhejiang California International NanoSystems Institute
Classification: other for Familial colorectal cancer. Review status: no assertion criteria provided. Collection method: not provided. Allele origin: unknown.
ClinVar note: Converted during submission from cancer to other.

NM_000038.6(APC):c.422+1477A>G

Gene: APC (APC regulator of WNT signaling pathway; plus strand). Cytogenetic location: 5q22.2.
Variant type: single nucleotide variant.
Coding change: c.422+1477A>G on transcript NM_000038.6 (MANE Select); 1477 bases into the intron after coding-DNA position 422, A replaced by G.
Molecular consequence: intron variant.
Genome position (GRCh38, 1-based): chr5:112,768,867, A>G. VCF-style: chr5-112768867-A-G. GRCh37 (hg19) VCF-style: chr5-112104564-A-G.
Other names: c.422+1477A>G (NM_001354895.2, NM_001127510.3, NM_001354896.2 and 2 more transcripts); c.452+1477A>G (NM_001354897.2, NM_001354902.2, NM_001127511.3); c.347+1477A>G (NM_001354898.2, NM_001354904.2); c.-614+1477A>G (NM_001354906.2); c.245+1477A>G (NM_001354900.2, NM_001354901.2, NM_001354905.2).
Identifiers: ClinVar variation 82409 (VCV000082409.2), dbSNP rs75734746, ClinGen allele CA009012.